The following is an entry in ClinVar:

NM_000038.6(APC):c.7707T>G (p.Ser2569Arg)

Gene: APC (APC regulator of Wnt signaling pathway; plus strand). Cytogenetic location: 5q22.2.
Variant type: single nucleotide variant.
Coding change: c.7707T>G on transcript NM_000038.6 (MANE Select); coding-DNA position 7707, T replaced by G.
Protein change: p.Ser2569Arg; replaces serine 2569 with arginine.
Molecular consequence: missense variant.
Genome position (GRCh38, 1-based): chr5:112,843,301, T>G. VCF-style: chr5-112843301-T-G. GRCh37 (hg19) VCF-style: chr5-112178998-T-G.
Other names: c.7707T>G, p.Ser2569Arg (NM_001127510.3, NM_001354895.2); c.7653T>G, p.Ser2551Arg (NM_001127511.3); c.7761T>G, p.Ser2587Arg (NM_001354896.2); c.7737T>G, p.Ser2579Arg (NM_001354897.2); c.7632T>G, p.Ser2544Arg (NM_001354898.2); c.7623T>G, p.Ser2541Arg (NM_001354899.2); c.7584T>G, p.Ser2528Arg (NM_001354900.2); c.7530T>G, p.Ser2510Arg (NM_001354901.2); and 5 more; short protein forms S2569R, S2551R, S2579R, S2541R, S2544R, S2409R, S2443R, S2528R.
Identifiers: ClinVar variation 573707 (VCV000573707.17), dbSNP rs985452718, ClinGen allele CA16038073.

ClinVar aggregate classification (germline): Uncertain significance. Review status: criteria provided, multiple submitters, no conflicts (2 of 4 stars). 4 submissions from 4 submitters: Uncertain significance (4). Last evaluated 2025-07-17.

Conditions:
Hereditary cancer-predisposing syndrome. Also called: Neoplastic Syndromes, Hereditary; Hereditary Cancer Syndrome; Tumor predisposition; Hereditary neoplastic syndrome. Identifiers: Orphanet 140162, MedGen C0027672, MeSH D009386, MONDO:0015356.
Familial adenomatous polyposis 1 (FAP1). Also called: POLYPOSIS, ADENOMATOUS INTESTINAL; FAMILIAL ADENOMATOUS POLYPOSIS 1, ATTENUATED. Identifiers: MedGen C2713442, MONDO:0021056, OMIM 175100. Disease mechanism: loss of function.
Classic or attenuated familial adenomatous polyposis. Identifiers: MedGen CN372698, MONDO:0021057.

Allele frequency attached by ClinVar (database versions not stated): gnomAD 0.00001; TOPMed 0.00001.
gnomAD v4.1: 1 of 1,613,430 alleles (0.000062%); highest among the groups gnomAD compares: African/African-American, 0.0013%; no homozygotes.

Submissions (4):

Labcorp Genetics (formerly Invitae), Labcorp
Classification: Uncertain significance for Familial adenomatous polyposis 1. Last evaluated: 2025-07-17. Review status: criteria provided, single submitter. Criteria: Invitae Variant Classification Sherloc (09022015). Collection method: clinical testing. Allele origin: germline.
Comment: This sequence change replaces serine, which is neutral and polar, with arginine, which is basic and polar, at codon 2569 of the APC protein (p.Ser2569Arg). This variant is not present in population databases (gnomAD no frequency). This variant has not been reported in the literature in individuals affected with APC-related conditions. ClinVar contains an entry for this variant (Variation ID: 573707). Invitae Evidence Modeling of protein sequence and biophysical properties (such as structural, functional, and spatial information, amino acid conservation, physicochemical variation, residue mobility, and thermodynamic stability) indicates that this missense variant is not expected to disrupt APC protein function with a negative predictive value of 95%. In summary, the available evidence is currently insufficient to determine the role of this variant in disease. Therefore, it has been classified as a Variant of Uncertain Significance.

Ambry Genetics
Classification: Uncertain significance for Hereditary cancer-predisposing syndrome. Last evaluated: 2025-01-03. Review status: criteria provided, single submitter. Criteria: Ambry Variant Classification Scheme 2023. Collection method: clinical testing. Allele origin: germline.
Comment: The p.S2569R variant (also known as c.7707T>G), located in coding exon 15 of the APC gene, results from a T to G substitution at nucleotide position 7707. The serine at codon 2569 is replaced by arginine, an amino acid with dissimilar properties. This amino acid position is highly conserved in available vertebrate species. In addition, in silico predictors for this gene do not accurately predict pathogenicity. Missense alterations in APC are not a common cause of disease (Spier I et al. Genet Med. 2024 Feb;26(2):100992). Based on the available evidence, the clinical significance of this variant remains unclear.

Baylor Genetics
Classification: Uncertain significance for Familial adenomatous polyposis 1. Last evaluated: 2024-01-10. Review status: criteria provided, single submitter. Criteria: ACMG Guidelines, 2015. Collection method: clinical testing. Allele origin: unknown.

All of Us Research Program, National Institutes of Health
Classification: Uncertain significance for Classic or attenuated familial adenomatous polyposis. Last evaluated: 2023-12-18. Review status: criteria provided, single submitter. Criteria: ACMG Guidelines, 2015. Collection method: clinical testing. Allele origin: germline. Inheritance: Autosomal dominant inheritance. Observed: 1 variant allele, 1 heterozygote.
Comment: This missense variant replaces serine with arginine at codon 2569 of the APC protein. Computational prediction is inconclusive regarding the impact of this variant on protein structure and function (internally defined REVEL score threshold 0.5 < inconclusive < 0.7, PMID: 27666373). To our knowledge, functional studies have not been reported for this variant. This variant has not been reported in individuals affected with APC-related disorders in the literature. This variant has not been identified in the general population by the Genome Aggregation Database (gnomAD). The available evidence is insufficient to determine the role of this variant in disease conclusively. Therefore, this variant is classified as a Variant of Uncertain Significance.

This study involves interpretation of variants in research participants for the purpose of population health screening. Participant phenotype was not available at the time of variant classification. Additional details can be found in publication PMID: 35346344, PMCID: PMC8962531